The following is an entry in ClinVar:

ClinVar aggregate classification (germline): Uncertain significance (1 of 4 stars; one submission).

gnomAD v4.1: 1 of 1,209,620 alleles (0.000083%); highest among the groups gnomAD compares: South Asian, 0.0018%; no homozygotes.

Submission:

GeneDx
Classification: Uncertain significance. Last evaluated: 2026-04-19. Review status: criteria provided, single submitter. Criteria: GeneDx Variant Classification Process June 2021. Collection method: clinical testing. Allele origin: germline.
Comment: Not observed at significant frequency in large population cohorts (gnomAD); In silico analysis supports that this missense variant has a deleterious effect on protein structure/function; Has not been previously published as pathogenic or benign to our knowledge

NM_005765.3(ATP6AP2):c.540C>G (p.Asp180Glu)

Gene: ATP6AP2 (ATPase H+ transporting accessory protein 2; plus strand). Cytogenetic location: Xp11.4.
Variant type: single nucleotide variant.
Coding change: c.540C>G on transcript NM_005765.3 (MANE Select); coding-DNA position 540, C replaced by G.
Protein change: p.Asp180Glu; replaces aspartic acid 180 with glutamic acid.
Molecular consequence: missense variant.
Genome position (GRCh38, 1-based): chrX:40,598,686, C>G. VCF-style: chrX-40598686-C-G. GRCh37 (hg19) VCF-style: chrX-40457938-C-G.
Other names: short protein forms D180E.
Identifiers: ClinVar variation 5037235 (VCV005037235.1).